The following is an entry in ClinVar:

ClinVar aggregate classification (germline): Uncertain significance (1 of 4 stars; one submission).

Submission:

Labcorp Genetics (formerly Invitae), Labcorp
Classification: Uncertain significance. Last evaluated: 2025-04-22. Review status: criteria provided, single submitter. Criteria: Invitae Variant Classification Sherloc (09022015). Collection method: clinical testing. Allele origin: germline.
Comment: This sequence change replaces methionine, which is neutral and non-polar, with valine, which is neutral and non-polar, at codon 307 of the NPAT protein (p.Met307Val). This variant is present in population databases (no rsID available, gnomAD 0.004%). This variant has not been reported in the literature in individuals affected with NPAT-related conditions. ClinVar contains an entry for this variant (Variation ID: 3616715). An algorithm developed to predict the effect of missense changes on protein structure and function (PolyPhen-2) suggests that this variant is likely to be tolerated. In summary, the available evidence is currently insufficient to determine the role of this variant in disease. Therefore, it has been classified as a Variant of Uncertain Significance.

NM_002519.3(NPAT):c.919A>G (p.Met307Val)

Gene: NPAT (nuclear protein, coactivator of histone transcription; minus strand). Cytogenetic location: 11q22.3.
Variant type: single nucleotide variant.
Coding change: c.919A>G on transcript NM_002519.3 (MANE Select); coding-DNA position 919, A replaced by G.
Protein change: p.Met307Val; replaces methionine 307 with valine.
Molecular consequence: missense variant.
Genome position (GRCh38, 1-based): chr11:108,177,078, T>C on the plus strand (A>G on the coding strand, the complement: NPAT is on the minus strand). VCF-style: chr11-108177078-T-C. GRCh37 (hg19) VCF-style: chr11-108047805-T-C.
Other names: c.919A>G, p.Met307Val (NM_001321307.1); short protein forms M307V.
Identifiers: ClinVar variation 3616715 (VCV003616715.2).